The following is an entry in ClinVar:

NM_016628.5(WAC):c.1161_1164del (p.Asn387fs)

Gene: WAC (WW domain containing adaptor with coiled-coil; plus strand). Cytogenetic location: 10p12.1.
Variant type: Deletion.
Coding change: c.1161_1164del on transcript NM_016628.5 (MANE Select); coding-DNA positions 1161 to 1164, 4 bases deleted (TGAA; older notation c.1161_1164delTGAA).
Protein change: p.Asn387fs; shifts the reading frame from asparagine 387.
Molecular consequence: frameshift variant.
Genome position (GRCh38, 1-based): chr10:28,608,427-28,608,430, TGAA deleted; deleting any 4 consecutive bases within chr10:28,608,425-28,608,430 gives the same sequence; the c. name uses the placement nearest the transcript's 3' end. VCF-style (leftmost placement, unchanged base first): chr10-28608424-AAATG-A. GRCh37 (hg19) VCF-style: chr10-28897353-AAATG-A.
Other names: c.1026_1029del, p.Asn342fs (NM_100264.3); c.852_855del, p.Asn284fs (NM_100486.4); c.1161_1164delTGAA (NM_016628.4); c.1161_1164del (NM_016628.4); short protein forms N342fs, N387fs, N284fs.
Identifiers: ClinVar variation 642241 (VCV000642241.8), dbSNP rs1589237447, ClinGen allele CA915945872.

ClinVar aggregate classification (germline): Pathogenic. Review status: criteria provided, multiple submitters, no conflicts (2 of 4 stars). 2 submissions from 2 submitters: Pathogenic (2). Last evaluated 2025-10-22.

Submissions (2):

GeneDx
Classification: Pathogenic. Last evaluated: 2025-10-22. Review status: criteria provided, single submitter. Criteria: GeneDx Variant Classification Process June 2021. Collection method: clinical testing. Allele origin: germline. Affected: yes.
Comment: Frameshift variant predicted to result in protein truncation or nonsense mediated decay in a gene for which loss of function is a known mechanism of disease; Not observed at significant frequency in large population cohorts (gnomAD); Has not been previously published as pathogenic or benign to our knowledge

Labcorp Genetics (formerly Invitae), Labcorp
Classification: Pathogenic. Last evaluated: 2018-12-06. Review status: criteria provided, single submitter. Criteria: Invitae Variant Classification Sherloc (09022015). Collection method: clinical testing. Allele origin: germline.
Comment: For these reasons, this variant has been classified as Pathogenic. Loss-of-function variants in WAC are known to be pathogenic (PMID: 26264232, 26757981). This variant has not been reported in the literature in individuals with WAC-related conditions. This variant is not present in population databases (ExAC no frequency). This sequence change creates a premature translational stop signal (p.Asn387Lysfs*7) in the WAC gene. It is expected to result in an absent or disrupted protein product.

Literature cited by the submitters: PubMed 26264232 (cited by Labcorp Genetics (formerly Invitae), Labcorp); PubMed 26757981 (cited by Labcorp Genetics (formerly Invitae), Labcorp).